The following is an entry in ClinVar:

ClinVar aggregate classification (germline): Uncertain significance. Review status: criteria provided, multiple submitters, no conflicts (2 of 4 stars). 2 submissions from 2 submitters: Uncertain significance (2). Last evaluated 2023-03-07.

Conditions:
Primary dilated cardiomyopathy (DCM). Also called: Dilated Cardiomyopathy. Identifiers: Orphanet 217604, MedGen C0007193, MeSH D002311, MONDO:0005021, HP:0001644. Inheritance: Various modes of inheritance.

Allele frequency attached by ClinVar (database versions not stated): gnomAD exomes below 0.00001; TOPMed 0.00001; gnomAD 0.00002.
gnomAD v4.1: 4 of 1,595,786 alleles (0.00025%); highest among the groups gnomAD compares: African/African-American, 0.0054%; no homozygotes.

Submissions (2):

Ambry Genetics
Classification: Uncertain significance. Last evaluated: 2023-03-07. Review status: criteria provided, single submitter. Criteria: Ambry Variant Classification Scheme 2023. Collection method: clinical testing. Allele origin: germline.
Comment: The p.Q370H variant (also known as c.1110A>C), located in coding exon 11 of the NEBL gene, results from an A to C substitution at nucleotide position 1110. The glutamine at codon 370 is replaced by histidine, an amino acid with highly similar properties. This amino acid position is conserved. In addition, this alteration is predicted to be tolerated by in silico analysis. Since supporting evidence is limited at this time, the clinical significance of this alteration remains unclear.

Labcorp Genetics (formerly Invitae), Labcorp
Classification: Uncertain significance for Primary dilated cardiomyopathy. Last evaluated: 2020-10-08. Review status: criteria provided, single submitter. Criteria: Invitae Variant Classification Sherloc (09022015). Collection method: clinical testing. Allele origin: germline.
Comment: In summary, the available evidence is currently insufficient to determine the role of this variant in disease. Therefore, it has been classified as a Variant of Uncertain Significance. Algorithms developed to predict the effect of missense changes on protein structure and function are either unavailable or do not agree on the potential impact of this missense change (SIFT: "Deleterious"; PolyPhen-2: "Benign"; Align-GVGD: "Class C0"). This variant has not been reported in the literature in individuals with NEBL-related conditions. This variant is not present in population databases (ExAC no frequency). This sequence change replaces glutamine with histidine at codon 370 of the NEBL protein (p.Gln370His). The glutamine residue is highly conserved and there is a small physicochemical difference between glutamine and histidine.

NM_006393.3(NEBL):c.1110A>C (p.Gln370His)

Gene: NEBL (nebulette; minus strand). Cytogenetic location: 10p12.31.
Variant type: single nucleotide variant.
Coding change: c.1110A>C on transcript NM_006393.3 (MANE Select); coding-DNA position 1110, A replaced by C.
Protein change: p.Gln370His; replaces glutamine 370 with histidine.
Molecular consequence: missense variant. On other transcripts: intron variant (9).
Genome position (GRCh38, 1-based): chr10:20,850,401, T>G on the plus strand (A>C on the coding strand, the complement: NEBL is on the minus strand). VCF-style: chr10-20850401-T-G. GRCh37 (hg19) VCF-style: chr10-21139330-T-G.
Other names: c.1110A>C (NM_006393.2); c.250-37461A>C (NM_001377326.1, NM_001377327.1, NM_001377328.1); c.358-37461A>C (NM_213569.2, NM_001173484.2, NM_001377322.1); c.301-37461A>C (NM_001377324.1); c.292-37461A>C (NM_001377325.1); c.310-37461A>C (NM_001377323.1); short protein forms Q370H.
Identifiers: ClinVar variation 1047800 (VCV001047800.10), dbSNP rs1267119039, ClinGen allele CA376099789.